The following is an entry in ClinVar:

ClinVar aggregate classification (germline): Pathogenic (1 of 4 stars; one submission).

Conditions:
Hereditary nonpolyposis colorectal neoplasms. Identifiers: MedGen C0009405, MeSH D003123.

Submission:

Labcorp Genetics (formerly Invitae), Labcorp
Classification: Pathogenic for Hereditary nonpolyposis colorectal neoplasms. Last evaluated: 2021-07-07. Review status: criteria provided, single submitter. Criteria: Invitae Variant Classification Sherloc (09022015). Collection method: clinical testing. Allele origin: germline.
Comment: For these reasons, this variant has been classified as Pathogenic. Algorithms developed to predict the effect of sequence changes on RNA splicing suggest that this variant may create or strengthen a splice site. This variant has not been reported in the literature in individuals affected with MSH6-related conditions. This variant is not present in population databases (ExAC no frequency). This sequence change creates a premature translational stop signal (p.Val1212Argfs*8) in the MSH6 gene. It is expected to result in an absent or disrupted protein product. Loss-of-function variants in MSH6 are known to be pathogenic (PMID: 18269114, 24362816).

Literature cited by the submitters: PubMed 18269114; PubMed 24362816.

NM_000179.3(MSH6):c.3634_3644del (p.Val1212fs)

Gene: MSH6 (mutS homolog 6; plus strand). Cytogenetic location: 2p16.3.
Variant type: Deletion.
Coding change: c.3634_3644del on transcript NM_000179.3 (MANE Select); coding-DNA positions 3634 to 3644, 11 bases deleted (GTGGATGAATT).
Protein change: p.Val1212fs; shifts the reading frame from valine 1212.
Molecular consequence: frameshift variant.
Genome position (GRCh38, 1-based): chr2:47,805,695-47,805,705, GTGGATGAATT deleted; deleting any 11 consecutive bases within chr2:47,805,693-47,805,705 gives the same sequence; the c. name uses the placement nearest the transcript's 3' end. VCF-style (leftmost placement, unchanged base first): chr2-47805692-CTTGTGGATGAA-C. GRCh37 (hg19) VCF-style: chr2-48032831-CTTGTGGATGAA-C.
Other names: c.3244_3254del, p.Val1082fs (NM_001281492.2); c.2728_2738del, p.Val910fs (NM_001281493.2, NM_001281494.2); short protein forms V910fs, V1082fs, V1212fs.
Identifiers: ClinVar variation 1390611 (VCV001390611.6), dbSNP rs2104525933, ClinGen allele CA2573134752.
Genomic context (GRCh38, chr2:47,805,692, plus strand): 5'-TTTGTTGAATTAAGTGAAACTGCCAGCATACTCATGCATGCAACAGCACATTCTCTGGTG[CTTGTGGATGAA>C]TTAGGTAAGACATTAAACTTCTCATTTGAAGACTATCTATCTTAAAAACATTTGTACAAA-3'